The following is an entry in ClinVar:

ClinVar aggregate classification (germline): Uncertain significance (1 of 4 stars; one submission).

Conditions:
Gorlin syndrome. Also called: Nevoid Basal Cell Carcinoma Syndrome; Basal cell nevus syndrome. Identifiers: Orphanet 377, MedGen C0004779, MONDO:0007187.

Submission:

Labcorp Genetics (formerly Invitae), Labcorp
Classification: Uncertain significance for Gorlin syndrome. Last evaluated: 2021-10-18. Review status: criteria provided, single submitter. Criteria: Invitae Variant Classification Sherloc (09022015). Collection method: clinical testing. Allele origin: germline.
Comment: In summary, the available evidence is currently insufficient to determine the role of this variant in disease. Therefore, it has been classified as a Variant of Uncertain Significance. Advanced modeling of protein sequence and biophysical properties (such as structural, functional, and spatial information, amino acid conservation, physicochemical variation, residue mobility, and thermodynamic stability) performed at Invitae indicates that this missense variant is not expected to disrupt PTCH1 protein function. This variant has not been reported in the literature in individuals affected with PTCH1-related conditions. This variant is not present in population databases (ExAC no frequency). This sequence change replaces glutamine with histidine at codon 655 of the PTCH1 protein (p.Gln655His). The glutamine residue is weakly conserved and there is a small physicochemical difference between glutamine and histidine.

NM_000264.5(PTCH1):c.1965G>T (p.Gln655His)

Genes: PTCH1 (patched 1; minus strand), LOC100507346 (uncharacterized LOC100507346; plus strand). Cytogenetic location: 9q22.32.
Variant type: single nucleotide variant.
Coding change: c.1965G>T on transcript NM_000264.5 (MANE Select); coding-DNA position 1965, G replaced by T.
Protein change: p.Gln655His; replaces glutamine 655 with histidine.
Molecular consequence: missense variant. On other transcripts: non-coding transcript variant (2).
Genome position (GRCh38, 1-based): chr9:95,469,036, C>A on the plus strand (G>T on the coding strand, the complement: PTCH1 is on the minus strand). VCF-style: chr9-95469036-C-A. GRCh37 (hg19) VCF-style: chr9-98231318-C-A.
Other names: c.1767G>T, p.Gln589His (NM_001083602.3); c.1962G>T, p.Gln654His (NM_001083603.3); c.1512G>T, p.Gln504His (NM_001083604.3, NM_001083605.3, NM_001083606.3 and 1 more transcripts); c.1809G>T, p.Gln603His (NM_001354918.2); short protein forms Q589H, Q504H, Q603H, Q654H, Q655H.
Identifiers: ClinVar variation 1480150 (VCV001480150.6), dbSNP rs2118049998, ClinGen allele CA374115943.
Genomic context (GRCh38, chr9:95,469,036, plus strand): 5'-GTACACGTGCGTGTGGGGGTCGTACTCCGTGCGGAGCTGGACAGTGGACTGCATGGTAAT[C>A]TGCGTTTCATGGGCAAAGCTGTGGCTGCTGTAGGGAGGTGGGGGGCTGTAGCGGGTATTG-3'
Protein context (NP_000255.2, residues 645-665): YSSHSFAHET[Gln655His]ITMQSTVQLR